The following is an entry in ClinVar:

ClinVar aggregate classification (germline): Benign (1 of 4 stars; one submission).

Conditions:
Sialuria. Also called: SIALURIA, FRENCH TYPE; Sialic Acid Storage Disease. Identifiers: Orphanet 3166, MedGen C0342853, MONDO:0010028, OMIM 269921.

Allele frequency attached by ClinVar (database versions not stated): 1000 Genomes Project 0.01817; 1000 Genomes Project 30x 0.01999; TOPMed 0.02036.

Submission:

Illumina Laboratory Services, Illumina
Classification: Benign for Sialuria. Last evaluated: 2018-01-12. Review status: criteria provided, single submitter. Criteria: ICSL Variant Classification Criteria 13 December 2019. Collection method: clinical testing. Allele origin: germline.
Comment: This variant was observed in the ICSL laboratory as part of a predisposition screen in an ostensibly healthy population. It had not been previously curated by ICSL or reported in the Human Gene Mutation Database (HGMD: prior to June 1st, 2018), and was therefore a candidate for classification through an automated scoring system. Utilizing variant allele frequency, disease prevalence and penetrance estimates, and inheritance mode, an automated score was calculated to assess if this variant is too frequent to cause the disease. Based on the score and internal cut-off values, a variant classified as benign is not then subjected to further curation. The score for this variant resulted in a classification of benign for this disease.

NM_005476.7(GNE):c.*2156G>C

Gene: GNE (glucosamine (UDP-N-acetyl)-2-epimerase/N-acetylmannosamine kinase; minus strand). Cytogenetic location: 9p13.3.
Variant type: single nucleotide variant.
Coding change: c.*2156G>C on transcript NM_005476.7 (MANE Select); 2156 bases downstream of the stop codon, G replaced by C.
Molecular consequence: 3 prime UTR variant.
Genome position (GRCh38, 1-based): chr9:36,215,209, C>G on the plus strand (G>C on the coding strand, the complement: GNE is on the minus strand). VCF-style: chr9-36215209-C-G. GRCh37 (hg19) VCF-style: chr9-36215206-C-G.
Other names: c.*2156G>C (NM_001128227.3, NM_001190383.3, NM_001190384.3 and 3 more transcripts).
Identifiers: ClinVar variation 366808 (VCV000366808.6), dbSNP rs2741725, ClinGen allele CA10633993.